The following is an entry in ClinVar:

NM_004448.4(ERBB2):c.2872+4C>T

Gene: ERBB2 (erb-b2 receptor tyrosine kinase 2; plus strand). Cytogenetic location: 17q12.
Variant type: single nucleotide variant.
Coding change: c.2872+4C>T on transcript NM_004448.4 (MANE Select); 4 bases into the intron after coding-DNA position 2872, C replaced by T.
Molecular consequence: intron variant.
Genome position (GRCh38, 1-based): chr17:39,725,857, C>T. VCF-style: chr17-39725857-C-T. GRCh37 (hg19) VCF-style: chr17-37882110-C-T.
Other names: c.2782+4C>T (NM_001382782.1, NM_001005862.3, NM_001382783.1); c.2827+4C>T (NM_001289936.2); c.2947+4C>T (NM_001382787.1); c.2989+4C>T (NM_001382784.1); c.2953+4C>T (NM_001382786.1); c.2893+4C>T (NM_001382789.1); c.2902+4C>T (NM_001382788.1); c.2974+4C>T (NM_001382785.1); and 15 more.
Identifiers: ClinVar variation 838051 (VCV000838051.9), dbSNP rs776838845, ClinGen allele CA8534393.

ClinVar aggregate classification (germline): Uncertain significance (1 of 4 stars; one submission).

Allele frequency attached by ClinVar (database versions not stated): gnomAD 0.00003; TOPMed 0.00004.
gnomAD v4.1: 40 of 1,612,812 alleles (0.0025%); highest among the groups gnomAD compares: East Asian, 0.06%; no homozygotes.

Submission:

Labcorp Genetics (formerly Invitae), Labcorp
Classification: Uncertain significance. Last evaluated: 2026-01-12. Review status: criteria provided, single submitter. Criteria: Invitae Variant Classification Sherloc (09022015). Collection method: clinical testing. Allele origin: germline.
Comment: This sequence change falls in intron 23 of the ERBB2 gene. It does not directly change the encoded amino acid sequence of the ERBB2 protein. It affects a nucleotide within the consensus splice site. This variant is present in population databases (rs776838845, gnomAD 0.1%), and has an allele count higher than expected for a pathogenic variant. This variant has not been reported in the literature in individuals affected with ERBB2-related conditions. ClinVar contains an entry for this variant (Variation ID: 838051). Variants that disrupt the consensus splice site are a relatively common cause of aberrant splicing (PMID: 17576681, 9536098). Algorithms developed to predict the effect of sequence changes on RNA splicing suggest that this variant may disrupt the consensus splice site. In summary, the available evidence is currently insufficient to determine the role of this variant in disease. Therefore, it has been classified as a Variant of Uncertain Significance.

Literature cited by the submitters: PubMed 17576681; PubMed 9536098.